The following is an entry in ClinVar:

ClinVar aggregate classification (germline): Uncertain significance (1 of 4 stars; one submission).

Submission:

Ambry Genetics
Classification: Uncertain significance. Last evaluated: 2021-06-21. Review status: criteria provided, single submitter. Criteria: Ambry Variant Classification Scheme 2023. Collection method: clinical testing. Allele origin: germline.
Comment: The p.K782E variant (also known as c.2344A>G), located in coding exon 12 of the PALLD gene, results from an A to G substitution at nucleotide position 2344. The lysine at codon 782 is replaced by glutamic acid, an amino acid with similar properties. This amino acid position is conserved. In addition, this alteration is predicted to be deleterious by in silico analysis. Since supporting evidence is limited at this time, the clinical significance of this alteration remains unclear.

NM_001166108.2(PALLD):c.2395A>G (p.Lys799Glu)

Genes: CBR4 (carbonyl reductase 4; minus strand), PALLD (palladin, cytoskeletal associated protein; plus strand). Cytogenetic location: 4q32.3.
Variant type: single nucleotide variant.
Coding change: c.2395A>G on transcript NM_001166108.2 (MANE Select); coding-DNA position 2395, A replaced by G.
Protein change: p.Lys799Glu; replaces lysine 799 with glutamic acid.
Molecular consequence: missense variant.
Genome position (GRCh38, 1-based): chr4:168,898,637, A>G. VCF-style: chr4-168898637-A-G. GRCh37 (hg19) VCF-style: chr4-169819788-A-G.
Other names: c.1198A>G, p.Lys400Glu (NM_001166109.2); c.883A>G, p.Lys295Glu (NM_001166110.2); c.223A>G, p.Lys75Glu (NM_001367567.1, NM_001367569.1); c.274A>G, p.Lys92Glu (NM_001367568.1, NM_001367570.1); c.2344A>G, p.Lys782Glu (NM_016081.4); short protein forms K799E, K295E, K400E, K782E, K92E, K75E.
Identifiers: ClinVar variation 1789911 (VCV001789911.2), dbSNP rs2533735338, ClinGen allele CA358799040.